The following is an entry in ClinVar:

NM_000229.2(LCAT):c.1294G>A (p.Ala432Thr)

Gene: LCAT (lecithin-cholesterol acyltransferase; minus strand). Cytogenetic location: 16q22.1.
Variant type: single nucleotide variant.
Coding change: c.1294G>A on transcript NM_000229.2 (MANE Select); coding-DNA position 1294, G replaced by A.
Protein change: p.Ala432Thr; replaces alanine 432 with threonine.
Molecular consequence: missense variant.
Genome position (GRCh38, 1-based): chr16:67,939,933, C>T on the plus strand (G>A on the coding strand, the complement: LCAT is on the minus strand). VCF-style: chr16-67939933-C-T. GRCh37 (hg19) VCF-style: chr16-67973836-C-T.
Other names: c.1294G>A (NM_000229.1); short protein forms A432T.
Identifiers: ClinVar variation 1714636 (VCV001714636.6), dbSNP rs2544402503, ClinGen allele CA396375285.
Genomic context (GRCh38, chr16:67,939,933, plus strand): 5'-CATCAGGGCTTACGGTAGCAAAGGAAGGTCTTTATTCAGGAGGCGGGGGCTCTGGGCTGG[C>T]AGTCGGGGATGCAGGGGGACCCTGGCGGTAGGCACCCAGCAGGATGGCATTGATGTGCTC-3'
Protein context (NP_000220.1, residues 422-440): YRQGPPASPT[Ala432Thr]SPEPPPPE

ClinVar aggregate classification (germline): Uncertain significance. Review status: criteria provided, multiple submitters, no conflicts (2 of 4 stars). 2 submissions from 2 submitters: Uncertain significance (2). Last evaluated 2024-11-17.

Conditions:
Cardiovascular phenotype. Identifiers: MedGen CN230736.

Submissions (2):

Ambry Genetics
Classification: Uncertain significance for Cardiovascular phenotype. Last evaluated: 2024-11-17. Review status: criteria provided, single submitter. Criteria: Ambry Variant Classification Scheme 2023. Collection method: clinical testing. Allele origin: germline.
Comment: The p.A432T variant (also known as c.1294G>A), located in coding exon 6 of the LCAT gene, results from a G to A substitution at nucleotide position 1294. The alanine at codon 432 is replaced by threonine, an amino acid with similar properties. This amino acid position is conserved. In addition, the in silico prediction for this alteration is inconclusive. Based on the available evidence, the clinical significance of this variant remains unclear.

Labcorp Genetics (formerly Invitae), Labcorp
Classification: Uncertain significance. Last evaluated: 2024-10-08. Review status: criteria provided, single submitter. Criteria: Invitae Variant Classification Sherloc (09022015). Collection method: clinical testing. Allele origin: germline.
Comment: This sequence change replaces alanine, which is neutral and non-polar, with threonine, which is neutral and polar, at codon 432 of the LCAT protein (p.Ala432Thr). This variant is not present in population databases (gnomAD no frequency). This variant has not been reported in the literature in individuals affected with LCAT-related conditions. ClinVar contains an entry for this variant (Variation ID: 1714636). An algorithm developed to predict the effect of missense changes on protein structure and function outputs the following: PolyPhen-2: "Not Available". The threonine amino acid residue is found in multiple mammalian species, which suggests that this missense change does not adversely affect protein function. In summary, the available evidence is currently insufficient to determine the role of this variant in disease. Therefore, it has been classified as a Variant of Uncertain Significance.